The following is an entry in ClinVar:

ClinVar aggregate classification (germline): Uncertain significance (1 of 4 stars; one submission).

Submission:

Labcorp Genetics (formerly Invitae), Labcorp
Classification: Uncertain significance. Last evaluated: 2023-10-05. Review status: criteria provided, single submitter. Criteria: Invitae Variant Classification Sherloc (09022015). Collection method: clinical testing. Allele origin: germline.
Comment: This sequence change replaces tyrosine, which is neutral and polar, with histidine, which is basic and polar, at codon 155 of the FGF12 protein (p.Tyr155His). This variant is not present in population databases (gnomAD no frequency). This variant has not been reported in the literature in individuals affected with FGF12-related conditions. Advanced modeling of protein sequence and biophysical properties (such as structural, functional, and spatial information, amino acid conservation, physicochemical variation, residue mobility, and thermodynamic stability) performed at Invitae indicates that this missense variant is not expected to disrupt FGF12 protein function. In summary, the available evidence is currently insufficient to determine the role of this variant in disease. Therefore, it has been classified as a Variant of Uncertain Significance.

NM_004113.6(FGF12):c.277T>C (p.Tyr93His)

Gene: FGF12 (fibroblast growth factor 12; minus strand). Cytogenetic location: 3q28.
Variant type: single nucleotide variant.
Coding change: c.277T>C on transcript NM_004113.6 (MANE Select); coding-DNA position 277, T replaced by C.
Protein change: p.Tyr93His; replaces tyrosine 93 with histidine.
Molecular consequence: missense variant.
Genome position (GRCh38, 1-based): chr3:192,170,608, A>G on the plus strand (T>C on the coding strand, the complement: FGF12 is on the minus strand). VCF-style: chr3-192170608-A-G. GRCh37 (hg19) VCF-style: chr3-191888397-A-G.
Other names: c.166T>C, p.Tyr56His (NM_001377292.1); c.205T>C, p.Tyr69His (NM_001377293.1, NM_001377294.1); c.463T>C, p.Tyr155His (NM_021032.5); short protein forms Y155H, Y69H, Y93H, Y56H.
Identifiers: ClinVar variation 2765972 (VCV002765972.3), dbSNP rs2473964470, ClinGen allele CA355866166.
Genomic context (GRCh38, chr3:192,170,608, plus strand): 5'-GAAACCAAGCTCGGCCTGATTCTTGCTGGCGGTACAGTGTGGAAGAATAGATCACATAGT[A>G]GTTTTCAAACACAGATTCCTTGAATTTGCATTCTGGAGTGAAAACATCCTGTAGGAAAAA-3'
Protein context (NP_004104.3, residues 83-103): CKFKESVFEN[Tyr93His]YVIYSSTLYR